The following is an entry in ClinVar:

NM_014014.5(SNRNP200):c.3614C>T (p.Thr1205Met)

Gene: SNRNP200 (small nuclear ribonucleoprotein U5 subunit 200; minus strand). Cytogenetic location: 2q11.2.
Variant type: single nucleotide variant.
Coding change: c.3614C>T on transcript NM_014014.5 (MANE Select); coding-DNA position 3614, C replaced by T.
Protein change: p.Thr1205Met; replaces threonine 1205 with methionine.
Molecular consequence: missense variant.
Genome position (GRCh38, 1-based): chr2:96,287,031, G>A on the plus strand (C>T on the coding strand, the complement: SNRNP200 is on the minus strand). VCF-style: chr2-96287031-G-A. GRCh37 (hg19) VCF-style: chr2-96952769-G-A.
Other names: short protein forms T1205M.
Identifiers: ClinVar variation 1284430 (VCV001284430.12), dbSNP rs376746667, ClinGen allele CA1778427.

ClinVar aggregate classification (germline): Uncertain significance. Review status: criteria provided, multiple submitters, no conflicts (2 of 4 stars). 5 submissions from 5 submitters: Uncertain significance (2). 3 of the submissions do not count toward it. Last evaluated 2024-04-04.

Conditions:
Retinal dystrophy. Also called: Inherited retinal dystrophy. Identifiers: Orphanet 71862, MedGen C0854723, MeSH D058499, MONDO:0019118, HP:0000556.

Allele frequency attached by ClinVar (database versions not stated): ExAC 0.00002; gnomAD 0.00002; gnomAD exomes 0.00002; TOPMed 0.00003; ESP Exome Variant Server 0.00008.
gnomAD v4.1: 28 of 1,614,094 alleles (0.0017%); highest among the groups gnomAD compares: Non-Finnish European, 0.002%; no homozygotes.

Submissions (5):

Blueprint Genetics
Classification: Uncertain significance. Last evaluated: 2024-04-04. Review status: criteria provided, single submitter. Criteria: ACMG Guidelines, 2015. Collection method: clinical testing. Allele origin: germline.

Labcorp Genetics (formerly Invitae), Labcorp
Classification: Uncertain significance. Last evaluated: 2022-10-28. Review status: criteria provided, single submitter. Criteria: Invitae Variant Classification Sherloc (09022015). Collection method: clinical testing. Allele origin: germline.
Comment: This sequence change replaces threonine, which is neutral and polar, with methionine, which is neutral and non-polar, at codon 1205 of the SNRNP200 protein (p.Thr1205Met). This variant is present in population databases (rs376746667, gnomAD 0.003%). This variant has not been reported in the literature in individuals affected with SNRNP200-related conditions. ClinVar contains an entry for this variant (Variation ID: 1284430). Advanced modeling of protein sequence and biophysical properties (such as structural, functional, and spatial information, amino acid conservation, physicochemical variation, residue mobility, and thermodynamic stability) performed at Invitae indicates that this missense variant is expected to disrupt SNRNP200 protein function. In summary, the available evidence is currently insufficient to determine the role of this variant in disease. Therefore, it has been classified as a Variant of Uncertain Significance.

Institute of Human Genetics, Univ. Regensburg, Univ. Regensburg
Classification: Uncertain significance for Retinal dystrophy. Last evaluated: 2023-01-01. Review status: no assertion criteria provided. Criteria: ACMG Guidelines, 2015. Collection method: clinical testing. Allele origin: germline. Affected: yes. Not counted in ClinVar's aggregate classification.

Clinical Genetics, Academic Medical Center
Classification: Uncertain significance. Review status: no assertion criteria provided. Collection method: clinical testing. Allele origin: germline. Affected: yes. Study: VKGL Data-share Consensus. Not counted in ClinVar's aggregate classification.

Joint Genome Diagnostic Labs from Nijmegen and Maastricht, Radboudumc and MUMC+
Classification: Uncertain significance. Review status: no assertion criteria provided. Collection method: clinical testing. Allele origin: germline. Affected: yes. Study: VKGL Data-share Consensus. Not counted in ClinVar's aggregate classification.